The following is an entry in ClinVar:

ClinVar aggregate classification (germline): Uncertain significance (1 of 4 stars; one submission).

Conditions:
Developmental and epileptic encephalopathy, 70. Also called: EPILEPTIC ENCEPHALOPATHY, EARLY INFANTILE, 70. Identifiers: MedGen C4749023, MONDO:0032663, OMIM 618298.

gnomAD v4.1: 4 of 1,612,914 alleles (0.00025%); highest among the groups gnomAD compares: South Asian, 0.0033%; no homozygotes.

Submission:

Neuberg Centre For Genomic Medicine, NCGM
Classification: Uncertain significance for Developmental and epileptic encephalopathy, 70. Last evaluated: 2023-05-20. Review status: criteria provided, single submitter. Criteria: ACMG Guidelines, 2015. Collection method: clinical testing. Allele origin: germline. Inheritance: Autosomal dominant inheritance. Affected: yes.
Comment: The missense variant c.580C>G (p.Leu194Val) in the PHACTR1 gene has not been reported previously as a pathogenic variant nor as a benign variant, to our knowledge. This variant is reported with the allele frequency (0.0004%) in the gnomAD Exomes. The amino acid Leucine at position 194 is changed to a Valine changing protein sequence and it might alter its composition and physico-chemical properties. Computational evidence (Polyphen, SIFT and MutationTaster) predicts conflicting evidence on protein structure and function for this variant. The amino acid change p.Leu194Val in PHACTR1 is predicted as conserved by GERP++ and PhyloP across 100 vertebrates. For these reasons, this variant has been classified as Uncertain Significance.

NM_030948.6(PHACTR1):c.580C>G (p.Leu194Val)

Gene: PHACTR1 (phosphatase and actin regulator 1; plus strand). Cytogenetic location: 6p24.1.
Variant type: single nucleotide variant.
Coding change: c.580C>G on transcript NM_030948.6 (MANE Select); coding-DNA position 580, C replaced by G.
Protein change: p.Leu194Val; replaces leucine 194 with valine.
Molecular consequence: missense variant.
Genome position (GRCh38, 1-based): chr6:13,182,602, C>G. VCF-style: chr6-13182602-C-G. GRCh37 (hg19) VCF-style: chr6-13182834-C-G.
Other names: c.580C>G, p.Leu194Val (NM_001242648.4, NM_001322308.3, NM_001322309.3 and 3 more transcripts); c.304C>G, p.Leu102Val (NM_001322311.2, NM_001322312.3, NM_001322313.2 and 1 more transcripts); c.583C>G, p.Leu195Val (NM_001322314.4); short protein forms L102V, L194V, L195V.
Identifiers: ClinVar variation 3367052 (VCV003367052.1).